The following is an entry in ClinVar:

ClinVar aggregate classification (germline): Likely benign (0 of 4 stars; one submission).

Conditions:
VPS35-related disorder. Also called: VPS35-related condition.

Allele frequency attached by ClinVar (database versions not stated): gnomAD exomes below 0.00001.

Submission:

PreventionGenetics, part of Exact Sciences
Classification: Likely benign for VPS35-related condition. Last evaluated: 2019-08-13. Review status: no assertion criteria provided. Collection method: clinical testing. Allele origin: germline.
Comment: This variant is classified as likely benign based on ACMG/AMP sequence variant interpretation guidelines (Richards et al. 2015 PMID: 25741868, with internal and published modifications).

NM_018206.6(VPS35):c.103-4G>A

Gene: VPS35 (VPS35 retromer complex component; minus strand). Cytogenetic location: 16q11.2.
Variant type: single nucleotide variant.
Coding change: c.103-4G>A on transcript NM_018206.6 (MANE Select); 4 bases into the intron before coding-DNA position 103, G replaced by A.
Molecular consequence: intron variant.
Genome position (GRCh38, 1-based): chr16:46,682,179, C>T on the plus strand (G>A on the coding strand, the complement: VPS35 is on the minus strand). VCF-style: chr16-46682179-C-T. GRCh37 (hg19) VCF-style: chr16-46716091-C-T.
Identifiers: ClinVar variation 3035055 (VCV003035055.2), dbSNP rs1335453601, ClinGen allele CA622191911.
Genomic context (GRCh38, chr16:46,682,179, plus strand): 5'-GAGTTCACCAAGCATATTAGAAGCATGTTTTAGAGCATCCATAAGCTTGTTTTTGTCCTA[C>T]AGAAATACCAAGAGAATAGATGAGAATGCTTAATTTAAATAAACATTTATCTTGGTTGTA-3'